The following is an entry in ClinVar:

NM_014049.5(ACAD9):c.1399G>A (p.Val467Ile)

Gene: ACAD9 (acyl-CoA dehydrogenase family member 9; plus strand). Cytogenetic location: 3q21.3.
Variant type: single nucleotide variant.
Coding change: c.1399G>A on transcript NM_014049.5 (MANE Select); coding-DNA position 1399, G replaced by A.
Protein change: p.Val467Ile; replaces valine 467 with isoleucine.
Molecular consequence: missense variant. On other transcripts: non-coding transcript variant (1).
Genome position (GRCh38, 1-based): chr3:128,909,013, G>A. VCF-style: chr3-128909013-G-A. GRCh37 (hg19) VCF-style: chr3-128627856-G-A.
Other names: p.Val467Ile; c.1399G>A (NM_014049.4); short protein forms V467I.
Identifiers: ClinVar variation 991433 (VCV000991433.13), dbSNP rs369361055, ClinGen allele CA2601535.
Genomic context (GRCh38, chr3:128,909,013, plus strand): 5'-GGACCATGGACTTTCTGCAGTGAGCTTAAACAGGCCAAAGTGAGCACAGTCATGGATACC[G>A]TTGGCCGGAGGCTTCGGGACTCCCTGGGCCGAACTGTGGACCTGGGGCTGACAGGCAACC-3'
Protein context (NP_054768.2, residues 457-477): QAKVSTVMDT[Val467Ile]GRRLRDSLGR

ClinVar aggregate classification (germline): Conflicting classifications of pathogenicity. Review status: criteria provided, conflicting classifications (1 of 4 stars). 5 submissions from 5 submitters: Uncertain significance (2); Likely benign (2). 1 of the submissions does not count toward it. Last evaluated 2025-10-21.

Conditions:
Acyl-CoA dehydrogenase 9 deficiency. Also called: Acyl-CoA dehydrogenase family, member 9, deficiency of; MITOCHONDRIAL COMPLEX I DEFICIENCY, NUCLEAR TYPE 20. Identifiers: Orphanet 99901, MedGen C4747517, MONDO:0012624, OMIM 611126.
Inborn genetic diseases. Identifiers: MedGen C0950123, MeSH D030342.

Allele frequency attached by ClinVar (database versions not stated): gnomAD exomes 0.00006 and 0.00003; ExAC 0.00008; TOPMed 0.00004; ESP Exome Variant Server 0.00008; gnomAD 0.00001 and 0.00003.
gnomAD v4.1: 47 of 1,614,068 alleles (0.0029%); highest among the groups gnomAD compares: East Asian, 0.025%; no homozygotes.

Submissions (5):

Mayo Clinic Laboratories, Mayo Clinic
Classification: Uncertain significance. Last evaluated: 2025-10-21. Review status: criteria provided, single submitter. Criteria: ACMG Guidelines, 2015. Collection method: clinical testing. Allele origin: germline. Observed: 1 variant allele.
Comment: BP4

Labcorp Genetics (formerly Invitae), Labcorp
Classification: Likely benign. Last evaluated: 2025-06-20. Review status: criteria provided, single submitter. Criteria: Invitae Variant Classification Sherloc (09022015). Collection method: clinical testing. Allele origin: germline.

Blueprint Genetics
Classification: Uncertain significance. Last evaluated: 2024-10-25. Review status: criteria provided, single submitter. Criteria: ACMG Guidelines, 2015. Collection method: clinical testing. Allele origin: germline.

Ambry Genetics
Classification: Likely benign for Inborn genetic diseases. Last evaluated: 2023-12-17. Review status: criteria provided, single submitter. Criteria: Ambry Variant Classification Scheme 2023. Collection method: clinical testing. Allele origin: germline.

Natera, Inc.
Classification: Likely benign for ACAD9 deficiency. Last evaluated: 2020-08-14. Review status: no assertion criteria provided. Collection method: clinical testing. Allele origin: germline. Not counted in ClinVar's aggregate classification.